The following is an entry in ClinVar:

ClinVar aggregate classification (germline): Likely benign (0 of 4 stars; one submission).

Conditions:
SDK2-related disorder. Also called: SDK2-related condition.

Allele frequency attached by ClinVar (database versions not stated): ExAC 0.00082; ESP Exome Variant Server 0.00085; 1000 Genomes Project 0.00120; gnomAD 0.00120; 1000 Genomes Project 30x 0.00141; TOPMed 0.00212.
gnomAD v4.1: 2,228 of 1,549,154 alleles (0.14%); highest among the groups gnomAD compares: Admixed American, 0.37%; 1 homozygote.

Submission:

PreventionGenetics, part of Exact Sciences
Classification: Likely benign for SDK2-related condition. Last evaluated: 2023-05-05. Review status: no assertion criteria provided. Collection method: clinical testing. Allele origin: germline.
Comment: This variant is classified as likely benign based on ACMG/AMP sequence variant interpretation guidelines (Richards et al. 2015 PMID: 25741868, with internal and published modifications).

NM_001144952.2(SDK2):c.6455G>A (p.Arg2152His)

Gene: SDK2 (sidekick cell adhesion molecule 2; minus strand). Cytogenetic location: 17q25.1.
Variant type: single nucleotide variant.
Coding change: c.6455G>A on transcript NM_001144952.2 (MANE Select); coding-DNA position 6455, G replaced by A.
Protein change: p.Arg2152His; replaces arginine 2152 with histidine.
Molecular consequence: missense variant.
Genome position (GRCh38, 1-based): chr17:73,338,651, C>T on the plus strand (G>A on the coding strand, the complement: SDK2 is on the minus strand). VCF-style: chr17-73338651-C-T. GRCh37 (hg19) VCF-style: chr17-71334790-C-T.
Other names: short protein forms R2152H.
Identifiers: ClinVar variation 3052066 (VCV003052066.2), dbSNP rs147236031, ClinGen allele CA8741977.
Genomic context (GRCh38, chr17:73,338,651, plus strand): 5'-ACAAATGATGAAAATCCTGCTATGGGAGCCCGGGAGCCTGGGGCCAGGCTGCTGGGGGGA[C>T]GGTAGAGGGTGCTCTGCTGACTTGGGGGGTTAGGGGGGTTCTGGGGCGTTGGAGTCCGAC-3'
Protein context (NP_001138424.1, residues 2142-2162): NPPSQQSTLY[Arg2152His]PPSSLAPGSR